The following is an entry in ClinVar:

ClinVar aggregate classification (germline): Likely pathogenic. Review status: criteria provided, multiple submitters, no conflicts (2 of 4 stars). 2 submissions from 2 submitters: Likely pathogenic (2). Last evaluated 2025-08-22.

Conditions:
Alport syndrome. Also called: Hemorrhagic familial nephritis; Hemorrhagic hereditary nephritis; Congenital hereditary hematuria. Identifiers: Orphanet 63, MedGen C1567741, MONDO:0018965.
Autosomal dominant Alport syndrome (ATS3A). Also called: Alport syndrome dominant type; Renal failure and sensorineural hearing loss; ALPORT SYNDROME 3A, AUTOSOMAL DOMINANT. Identifiers: Orphanet 63, Orphanet 88918, MedGen C5882663, MONDO:0007086, OMIM 104200.

gnomAD v4.1: 3 of 1,614,008 alleles (0.00019%); highest among the groups gnomAD compares: Admixed American, 0.0017%; no homozygotes.

Submissions (2):

Natera, Inc.
Classification: Likely pathogenic for Alport syndrome. Last evaluated: 2025-08-22. Review status: criteria provided, single submitter. Criteria: Natera Variant Classification Schema (03/2026). Collection method: clinical testing. Allele origin: germline.
Comment: The c.2347G>A variant in COL4A3 is a missense variant predicted to cause substitution of glycine to arginine at amino acid 783. This variant is rare in the general population with a frequency below the threshold expected for the associated phenotype(s). This variant is located in a functionally critical region of the protein. Computational prediction algorithms indicate this variant is likely to affect gene or protein function. Given the available evidence, this variant is classified as Likely Pathogenic.

MVZ Medizinische Genetik Mainz
Classification: Likely pathogenic for Autosomal dominant Alport syndrome. Last evaluated: 2022-11-15. Review status: criteria provided, single submitter. Criteria: UK Practice Guidelines For Variant Classification V4 01 2020. Collection method: clinical testing. Allele origin: germline. Inheritance: Autosomal dominant inheritance. Affected: yes. Observed: 1 variant allele.
Comment: ACMG Criteria: PM1_STR, PM2_SUP, PP3, PP4

NM_000091.5(COL4A3):c.2347G>A (p.Gly783Arg)

Genes: MFF-DT (MFF divergent transcript; minus strand), COL4A3 (collagen type IV alpha 3 chain; plus strand). Cytogenetic location: 2q36.3.
Variant type: single nucleotide variant.
Coding change: c.2347G>A on transcript NM_000091.5 (MANE Select); coding-DNA position 2347, G replaced by A.
Protein change: p.Gly783Arg; replaces glycine 783 with arginine.
Molecular consequence: missense variant.
Genome position (GRCh38, 1-based): chr2:227,280,563, G>A. VCF-style: chr2-227280563-G-A. GRCh37 (hg19) VCF-style: chr2-228145279-G-A.
Other names: short protein forms G783R.
Identifiers: ClinVar variation 4526496 (VCV004526496.2).